The following is an entry in ClinVar:

ClinVar aggregate classification (germline): Uncertain significance (1 of 4 stars; one submission).

Conditions:
Dyskeratosis congenita, autosomal recessive 5 (DKCB5). Identifiers: MedGen C3554656, MONDO:0014076, OMIM 615190.
Pulmonary fibrosis and/or bone marrow failure, Telomere-related, 3. Also called: PULMONARY FIBROSIS AND/OR BONE MARROW FAILURE SYNDROME, TELOMERE-RELATED, 3. Identifiers: Orphanet 2032, MedGen C4225346, MONDO:0014613, OMIM 616373.

Submission:

Labcorp Genetics (formerly Invitae), Labcorp
Classification: Uncertain significance for Dyskeratosis congenita, autosomal recessive 5; Pulmonary fibrosis and/or bone marrow failure, Telomere-related, 3. Last evaluated: 2025-02-17. Review status: criteria provided, single submitter. Criteria: Invitae Variant Classification Sherloc (09022015). Collection method: clinical testing. Allele origin: germline.
Comment: This sequence change replaces alanine, which is neutral and non-polar, with serine, which is neutral and polar, at codon 584 of the RTEL1 protein (p.Ala584Ser). This variant is not present in population databases (gnomAD no frequency). This variant has not been reported in the literature in individuals affected with RTEL1-related conditions. ClinVar contains an entry for this variant (Variation ID: 2941385). An algorithm developed to predict the effect of missense changes on protein structure and function outputs the following: PolyPhen-2: "Benign". The serine amino acid residue is found in multiple mammalian species, which suggests that this missense change does not adversely affect protein function. In summary, the available evidence is currently insufficient to determine the role of this variant in disease. Therefore, it has been classified as a Variant of Uncertain Significance.

NM_001283009.2(RTEL1):c.1750G>T (p.Ala584Ser)

Genes: RTEL1 (regulator of telomere elongation helicase 1; plus strand), RTEL1-TNFRSF6B (RTEL1-TNFRSF6B readthrough (NMD candidate); plus strand). Cytogenetic location: 20q13.33.
Variant type: single nucleotide variant.
Coding change: c.1750G>T on transcript NM_001283009.2 (MANE Select); coding-DNA position 1750, G replaced by T.
Protein change: p.Ala584Ser; replaces alanine 584 with serine.
Molecular consequence: missense variant. On other transcripts: non-coding transcript variant (1).
Genome position (GRCh38, 1-based): chr20:63,688,555, G>T. VCF-style: chr20-63688555-G-T. GRCh37 (hg19) VCF-style: chr20-62319908-G-T.
Other names: c.1081G>T, p.Ala361Ser (NM_001283010.1); c.1750G>T, p.Ala584Ser (NM_016434.4); c.1822G>T, p.Ala608Ser (NM_032957.5); short protein forms A608S, A584S, A361S.
Identifiers: ClinVar variation 2941385 (VCV002941385.3), dbSNP rs2517122183, ClinGen allele CA409678027.
Genomic context (GRCh38, chr20:63,688,555, plus strand): 5'-GGGCTGCCGTGTCCCTGCCTCTTCCTCCCACAGGCCCGCGACTTGGCCAGGAAGATGGAG[G>T]CGCTGAAGCCGCTGTTTGTGGAGCCCAGGAGCAAAGGCAGCTTCTCCGAGGTCGGCACTT-3'
Protein context (NP_001269938.1, residues 574-594): RARDLARKME[Ala584Ser]LKPLFVEPRS